The following is an entry in ClinVar:

ClinVar aggregate classification (germline): Likely pathogenic (1 of 4 stars; one submission).

Conditions:
Neurodevelopmental disorder with speech impairment and dysmorphic facies. Identifiers: MedGen C5436699, MONDO:0033630, OMIM 619056.

Submission:

Illumina Laboratory Services, Illumina
Classification: Likely pathogenic for Neurodevelopmental disorder with speech impairment and dysmorphic facies. Last evaluated: 2021-06-21. Review status: criteria provided, single submitter. Criteria: ICSLVariantClassificationCriteria RUGD 01 April 2020. Collection method: clinical testing. Allele origin: unknown.
Comment: The SETD1A c.2273_2274insGAGC p.(Leu795SerfsTer67) variant causes a shift in the protein reading frame that is predicted to result in premature termination of the protein. Loss of normal protein function through either protein truncation or nonsense-mediated mRNA decay is expected. To our knowledge, this variant has not been reported in the peer-reviewed literature. This variant is not observed in version 2.1.1 or version 4.0.0 of the Genome Aggregation Database. Based on the evidence, the c.2273_2274insGAGC p.(Leu795SerfsTer67) variant is classified as likely pathogenic for neurodevelopmental disorder with speech impairment and dysmorphic facies.

NM_014712.3(SETD1A):c.2273_2274insGAGC (p.Leu759fs)

Gene: SETD1A (SET domain containing 1A, histone lysine methyltransferase; plus strand). Cytogenetic location: 16p11.2.
Variant type: Insertion.
Coding change: c.2273_2274insGAGC on transcript NM_014712.3 (MANE Select); coding-DNA positions 2273 to 2274, GAGC inserted.
Protein change: p.Leu759fs; shifts the reading frame from leucine 759.
Molecular consequence: frameshift variant.
Genome position: GRCh38 VCF-style: chr16-30966153-C-CCGAG. GRCh37 (hg19) VCF-style: chr16-30977474-C-CCGAG.
Other names: short protein forms L759fs.
Identifiers: ClinVar variation 3062117 (VCV003062117.1), dbSNP rs2543862825, ClinGen allele CA2740093317.
Genomic context (GRCh38, chr16:30,966,153, plus strand): 5'-GAGGGCAGAGGGGCATACTCACGGGAGGCCTACCACCTGCCCATGCCAATGGCAGCCGAG[C>CCGAG]CCCTGCCCTCCTCCTCAGTCTCGGGAGAGGAGGCCCGGCTGCCACCCAGGGAAGAAGCAG-3'